The following is an entry in ClinVar:

ClinVar aggregate classification (germline): Uncertain significance (1 of 4 stars; one submission).

Conditions:
Cardiovascular phenotype. Identifiers: MedGen CN230736.

Submission:

Ambry Genetics
Classification: Uncertain significance for Cardiovascular phenotype. Last evaluated: 2024-10-27. Review status: criteria provided, single submitter. Criteria: Ambry Variant Classification Scheme 2023. Collection method: clinical testing. Allele origin: germline.
Comment: The p.P148Q variant (also known as c.443C>A), located in coding exon 1 of the DES gene, results from a C to A substitution at nucleotide position 443. The proline at codon 148 is replaced by glutamine, an amino acid with similar properties. This amino acid position is conserved. In addition, the in silico prediction for this alteration is inconclusive. Based on the available evidence, the clinical significance of this variant remains unclear.

NM_001927.4(DES):c.443C>A (p.Pro148Gln)

Gene: DES (desmin; plus strand). Cytogenetic location: 2q35.
Variant type: single nucleotide variant.
Coding change: c.443C>A on transcript NM_001927.4 (MANE Select); coding-DNA position 443, C replaced by A.
Protein change: p.Pro148Gln; replaces proline 148 with glutamine.
Molecular consequence: missense variant.
Genome position (GRCh38, 1-based): chr2:219,418,905, C>A. VCF-style: chr2-219418905-C-A. GRCh37 (hg19) VCF-style: chr2-220283627-C-A.
Other names: c.443C>A, p.Pro148Gln (NM_001382708.1, NM_001382709.1, NM_001382710.1 and 3 more transcripts); short protein forms P148Q.
Identifiers: ClinVar variation 3501211 (VCV003501211.1).